The following is an entry in ClinVar:

NM_000051.4(ATM):c.6640del (p.Asp2214fs)

Genes: ATM (ATM serine/threonine kinase; plus strand), C11orf65 (chromosome 11 open reading frame 65; minus strand). Cytogenetic location: 11q22.3.
Variant type: Deletion.
Coding change: c.6640del on transcript NM_000051.4 (MANE Select); coding-DNA position 6640, one base deleted (G; older notation c.6640delG).
Protein change: p.Asp2214fs; shifts the reading frame from aspartic acid 2214.
Molecular consequence: frameshift variant. On other transcripts: intron variant (2).
Genome position (GRCh38, 1-based): chr11:108,325,377, G deleted; the last of 2 consecutive G bases (chr11:108,325,376-108,325,377); deleting either gives the same sequence. VCF-style (leftmost placement, unchanged base first): chr11-108325375-AG-A. GRCh37 (hg19) VCF-style: chr11-108196102-AG-A.
Other names: c.*38+9844del (NM_001351110.2); c.6640del, p.Asp2214fs (NM_001351834.2); c.641-16305del (NM_001330368.2); short protein forms D2214fs.
Identifiers: ClinVar variation 3767044 (VCV003767044.1).
Genomic context (GRCh38, chr11:108,325,375, plus strand): 5'-TCACACATAGACAACTCTCTGAAGTATATATTAAGTGGCAGAAACACTCCCAGCTTCTCA[AG>A]GACAGTGATTTTAGTTTTCAGGAGCCTATCATGGCTCTACGCACAGTCATTTTGGAGATC-3'

ClinVar aggregate classification (germline): Likely pathogenic (1 of 4 stars; one submission).

Submission:

ARUP Laboratories, Molecular Genetics and Genomics, ARUP Laboratories
Classification: Likely pathogenic. Last evaluated: 2024-01-05. Review status: criteria provided, single submitter. Criteria: ARUP Molecular Germline Variant Investigation Process 2024. Collection method: clinical testing. Allele origin: germline.
Comment: The ATM c.6640del; p.Asp2214ThrfsTer21 variant, to our knowledge, is not reported in the medical literature or gene specific databases. This variant is also absent from the Genome Aggregation Database (v2.1.1), indicating it is not a common polymorphism. This variant causes a frameshift by deleting a single nucleotide, so it is predicted to result in a truncated protein or mRNA subject to nonsense-mediated decay. Based on available information, this variant is considered to be likely pathogenic.